The following is an entry in ClinVar:

NM_005918.4(MDH2):c.208C>T (p.His70Tyr)

Gene: MDH2 (malate dehydrogenase 2; plus strand). Cytogenetic location: 7q11.23.
Variant type: single nucleotide variant.
Coding change: c.208C>T on transcript NM_005918.4 (MANE Select); coding-DNA position 208, C replaced by T.
Protein change: p.His70Tyr; replaces histidine 70 with tyrosine.
Molecular consequence: missense variant. On other transcripts: intron variant (1).
Genome position (GRCh38, 1-based): chr7:76,054,971, C>T. VCF-style: chr7-76054971-C-T. GRCh37 (hg19) VCF-style: chr7-75684289-C-T.
Other names: c.208C>T, p.His70Tyr (NM_001282403.2); c.-86-2439C>T (NM_001282404.2); short protein forms H70Y.
Identifiers: ClinVar variation 1785704 (VCV001785704.2), dbSNP rs2535852963, ClinGen allele CA367762648.

ClinVar aggregate classification (germline): Uncertain significance (1 of 4 stars; one submission).

Conditions:
Inborn genetic diseases. Identifiers: MedGen C0950123, MeSH D030342.

Submission:

Ambry Genetics
Classification: Uncertain significance for Inborn genetic diseases. Last evaluated: 2022-05-04. Review status: criteria provided, single submitter. Criteria: Ambry Variant Classification Scheme 2023. Collection method: clinical testing. Allele origin: germline.
Comment: The p.H70Y variant (also known as c.208C>T), located in coding exon 2 of the MDH2 gene, results from a C to T substitution at nucleotide position 208. The histidine at codon 70 is replaced by tyrosine, an amino acid with similar properties. This amino acid position is conserved. In addition, this alteration is predicted to be deleterious by in silico analysis. Since supporting evidence is limited at this time, the clinical significance of this alteration remains unclear.